The following is an entry in ClinVar:

ClinVar aggregate classification (germline): Likely pathogenic (1 of 4 stars; one submission).

Conditions:
Oculocutaneous albinism. Identifiers: Orphanet 55, MedGen C0078918, MONDO:0018910.

Submission:

Women's Health and Genetics/Laboratory Corporation of America, LabCorp
Classification: Likely pathogenic for Oculocutaneous albinism. Last evaluated: 2024-09-25. Review status: criteria provided, single submitter. Criteria: LabCorp Variant Classification Summary - May 2015. Collection method: clinical testing. Allele origin: germline.
Comment: Variant summary: TYR c.865T>A (p.Cys289Ser) results in a non-conservative amino acid change located in the Tyrosinase copper-binding domain (IPR002227) of the encoded protein sequence. Five of five in-silico tools predict a damaging effect of the variant on protein function. The variant was absent in 251240 control chromosomes. The available data on variant occurrences in the general population are insufficient to allow any conclusion about variant significance. To our knowledge, no occurrence of c.865T>A in individuals affected with Oculocutaneous Albinism and no experimental evidence demonstrating its impact on protein function have been reported. No submitters have cited clinical-significance assessments for this variant to ClinVar. A different nucleotide change resulting in the same missense variant (c.866G>C/p.Cys289Ser) has been reported in the literature in at least one individual with oculocutaneous albinism (PMID: 29345414), suggesting that this missense change is assocaited with disease. Additionally, several other different missense variants affecting the same codon (c.865T>C/p.Cys289Arg, c.865T>G/p.Cys289Gly, c.866G>A/p.Cys289Tyr) have all been reported in patients with oculocutaneous albinism (PMIDs: 10671066, 15146472, 10987646, 10571953, 13680365, 29345414), further supporting that disruption of this variant is linked to disease. Based on the evidence outlined above, the variant was classified as likely pathogenic.

NM_000372.5(TYR):c.865T>A (p.Cys289Ser)

Gene: TYR (tyrosinase; plus strand). Cytogenetic location: 11q14.3.
Variant type: single nucleotide variant.
Coding change: c.865T>A on transcript NM_000372.5 (MANE Select); coding-DNA position 865, T replaced by A.
Protein change: p.Cys289Ser; replaces cysteine 289 with serine.
Molecular consequence: missense variant.
Genome position (GRCh38, 1-based): chr11:89,191,247, T>A. VCF-style: chr11-89191247-T-A. GRCh37 (hg19) VCF-style: chr11-88924415-T-A.
Other names: short protein forms C289S.
Identifiers: ClinVar variation 3375195 (VCV003375195.1).